The following is an entry in ClinVar:

ClinVar aggregate classification (germline): Benign/Likely benign. Review status: criteria provided, multiple submitters, no conflicts (2 of 4 stars). 5 submissions from 5 submitters: Benign (3); Likely benign (2). Last evaluated 2026-01-30.

Conditions:
Hereditary cancer-predisposing syndrome. Also called: Neoplastic Syndromes, Hereditary; Tumor predisposition; Hereditary neoplastic syndrome; Hereditary Cancer Syndrome. Identifiers: Orphanet 140162, MedGen C0027672, MeSH D009386, MONDO:0015356.
Multiple endocrine neoplasia, type 1 (MEN1). Also called: MEN I; WERMER SYNDROME; Endocrine adenomatosis multiple; MEN 1; MEA I. Identifiers: Orphanet 652, MedGen C0025267, MeSH D018761, MONDO:0007540, OMIM 131100.

Allele frequency attached by ClinVar (database versions not stated): 1000 Genomes Project 30x 0.00094; 1000 Genomes Project 0.00100; gnomAD 0.00003; TOPMed 0.00005.
gnomAD v4.1: 85 of 1,614,152 alleles (0.0053%); highest among the groups gnomAD compares: South Asian, 0.056%; 1 homozygote.

Submissions (5):

Labcorp Genetics (formerly Invitae), Labcorp
Classification: Benign for Multiple endocrine neoplasia, type 1. Last evaluated: 2026-01-30. Review status: criteria provided, single submitter. Criteria: Invitae Variant Classification Sherloc (09022015). Collection method: clinical testing. Allele origin: germline.

Women's Health and Genetics/Laboratory Corporation of America, LabCorp
Classification: Benign. Last evaluated: 2025-12-13. Review status: criteria provided, single submitter. Criteria: LabCorp Variant Classification Summary - May 2015. Collection method: clinical testing. Allele origin: germline.

Myriad Genetics, Inc.
Classification: Benign for Multiple endocrine neoplasia, type 1. Last evaluated: 2024-11-01. Review status: criteria provided, single submitter. Criteria: Myriad Autosomal Dominant, Autosomal Recessive and X-Linked Classification Criteria (2023). Collection method: clinical testing. Allele origin: unknown.
Comment: This variant is considered benign. This variant is a silent/synonymous amino acid change and it is not expected to impact splicing.

Color Diagnostics, LLC DBA Color Health
Classification: Likely benign for Multiple endocrine neoplasia, type 1. Last evaluated: 2022-11-06. Review status: criteria provided, single submitter. Criteria: ACMG Guidelines, 2015. Collection method: clinical testing. Allele origin: germline.

Ambry Genetics
Classification: Likely benign for Hereditary cancer-predisposing syndrome. Last evaluated: 2016-09-19. Review status: criteria provided, single submitter. Criteria: Ambry Variant Classification Scheme 2023. Collection method: clinical testing. Allele origin: germline.

NM_001370259.2(MEN1):c.759G>A (p.Ser253=)

Gene: MEN1 (menin 1; minus strand). Cytogenetic location: 11q13.1.
Variant type: single nucleotide variant.
Coding change: c.759G>A on transcript NM_001370259.2 (MANE Select); coding-DNA position 759, G replaced by A.
Protein change: p.Ser253=; no amino-acid change (serine 253 retained).
Molecular consequence: synonymous variant.
Genome position (GRCh38, 1-based): chr11:64,807,576, C>T on the plus strand (G>A on the coding strand, the complement: MEN1 is on the minus strand). VCF-style: chr11-64807576-C-T. GRCh37 (hg19) VCF-style: chr11-64575048-C-T.
Other names: c.774G>A, p.Ser258= (NM_000244.4, NM_130800.3, NM_130801.3 and 3 more transcripts); c.759G>A, p.Ser253= (NM_001370251.2, NM_001370260.2, NM_001370261.2 and 1 more transcripts); c.654G>A, p.Ser218= (NM_001370262.2, NM_001370263.2).
Identifiers: ClinVar variation 241825 (VCV000241825.18), dbSNP rs201829546, ClinGen allele CA061508.